The following is an entry in ClinVar:

ClinVar aggregate classification (germline): Uncertain significance. Review status: criteria provided, multiple submitters, no conflicts (2 of 4 stars). 2 submissions from 2 submitters: Uncertain significance (2). Last evaluated 2025-05-26.

Conditions:
Inborn genetic diseases. Identifiers: MedGen C0950123, MeSH D030342.

Allele frequency attached by ClinVar (database versions not stated): TOPMed 0.00005; gnomAD 0.00006.
gnomAD v4.1: 24 of 1,614,034 alleles (0.0015%); highest among the groups gnomAD compares: African/African-American, 0.008%; no homozygotes.

Submissions (2):

Ambry Genetics
Classification: Uncertain significance for Inborn genetic diseases. Last evaluated: 2025-05-26. Review status: criteria provided, single submitter. Criteria: Ambry Variant Classification Scheme 2023. Collection method: clinical testing. Allele origin: germline.

Women's Health and Genetics/Laboratory Corporation of America, LabCorp
Classification: Uncertain significance. Last evaluated: 2024-01-04. Review status: criteria provided, single submitter. Criteria: LabCorp Variant Classification Summary - May 2015. Collection method: clinical testing. Allele origin: germline.
Comment: Variant summary: ERBB4 c.2371A>G (p.Thr791Ala) results in a non-conservative amino acid change located in the Protein kinase domain (IPR000719) of the encoded protein sequence. Four of five in-silico tools predict a damaging effect of the variant on protein function. The variant allele was found at a frequency of 1.2e-05 in 251416 control chromosomes. The available data on variant occurrences in the general population are insufficient to allow any conclusion about variant significance. To our knowledge, no occurrence of c.2371A>G in individuals affected with Amyotrophic Lateral Sclerosis Type 19 and no experimental evidence demonstrating its impact on protein function have been reported. No submitters have cited clinical-significance assessments for this variant to ClinVar. Based on the evidence outlined above, the variant was classified as uncertain significance.

NM_005235.3(ERBB4):c.2371A>G (p.Thr791Ala)

Gene: ERBB4 (erb-b2 receptor tyrosine kinase 4; minus strand). Cytogenetic location: 2q34.
Variant type: single nucleotide variant.
Coding change: c.2371A>G on transcript NM_005235.3 (MANE Select); coding-DNA position 2371, A replaced by G.
Protein change: p.Thr791Ala; replaces threonine 791 with alanine.
Molecular consequence: missense variant.
Genome position (GRCh38, 1-based): chr2:211,562,019, T>C on the plus strand (A>G on the coding strand, the complement: ERBB4 is on the minus strand). VCF-style: chr2-211562019-T-C. GRCh37 (hg19) VCF-style: chr2-212426744-T-C.
Other names: c.2371A>G (NM_005235.2); c.2371A>G, p.Thr791Ala (NM_001042599.2); short protein forms T791A.
Identifiers: ClinVar variation 3063763 (VCV003063763.2), dbSNP rs879103900, ClinGen allele CA65159287.